The following is an entry in ClinVar:

ClinVar aggregate classification (germline): Likely benign. Review status: criteria provided, single submitter (1 of 4 stars). 2 submissions from 2 submitters: Likely benign (1). 1 of the submissions does not count toward it. Last evaluated 2024-12-07.

Conditions:
GFI1-related disorder. Also called: GFI1-related condition.

Allele frequency attached by ClinVar (database versions not stated): TOPMed below 0.00001.
gnomAD v4.1: 3 of 1,613,850 alleles (0.00019%); highest among the groups gnomAD compares: South Asian, 0.0022%; no homozygotes.

Submissions (2):

Ambry Genetics
Classification: Likely benign. Last evaluated: 2024-12-07. Review status: criteria provided, single submitter. Criteria: Ambry Variant Classification Scheme 2023. Collection method: clinical testing. Allele origin: germline.

PreventionGenetics, part of Exact Sciences
Classification: Likely benign for GFI1-related condition. Last evaluated: 2023-12-28. Review status: no assertion criteria provided. Collection method: clinical testing. Allele origin: germline. Not counted in ClinVar's aggregate classification.
Comment: This variant is classified as likely benign based on ACMG/AMP sequence variant interpretation guidelines (Richards et al. 2015 PMID: 25741868, with internal and published modifications).

NM_005263.5(GFI1):c.288C>T (p.Ser96=)

Gene: GFI1 (growth factor independent 1 transcriptional repressor; minus strand). Cytogenetic location: 1p22.1.
Variant type: single nucleotide variant.
Coding change: c.288C>T on transcript NM_005263.5 (MANE Select); coding-DNA position 288, C replaced by T.
Protein change: p.Ser96=; no amino-acid change (serine 96 retained).
Molecular consequence: synonymous variant.
Genome position (GRCh38, 1-based): chr1:92,482,874, G>A on the plus strand (C>T on the coding strand, the complement: GFI1 is on the minus strand). VCF-style: chr1-92482874-G-A. GRCh37 (hg19) VCF-style: chr1-92948431-G-A.
Other names: c.288C>T, p.Ser96= (NM_001127215.3, NM_001127216.3).
Identifiers: ClinVar variation 3030875 (VCV003030875.3), dbSNP rs1169382508, ClinGen allele CA418957527.